The following is an entry in ClinVar:

ClinVar aggregate classification (germline): Uncertain significance. Review status: criteria provided, multiple submitters, no conflicts (2 of 4 stars). 3 submissions from 3 submitters: Uncertain significance (2). 1 of the submissions does not count toward it. Last evaluated 2026-02-19.

Conditions:
EGFR-related disorder. Also called: EGFR-related condition.
Hereditary cancer-predisposing syndrome. Also called: Neoplastic Syndromes, Hereditary; Tumor predisposition; Hereditary Cancer Syndrome; Hereditary neoplastic syndrome. Identifiers: Orphanet 140162, MedGen C0027672, MeSH D009386, MONDO:0015356.
EGFR-related lung cancer (EGFR). Identifiers: MedGen CN130014.

Allele frequency attached by ClinVar (database versions not stated): gnomAD 0.00001; TOPMed 0.00001.
gnomAD v4.1: 1 of 1,612,780 alleles (0.000062%); highest among the groups gnomAD compares: African/African-American, 0.0013%; no homozygotes.

Submissions (3):

Ambry Genetics
Classification: Uncertain significance for Hereditary cancer-predisposing syndrome. Last evaluated: 2026-02-19. Review status: criteria provided, single submitter. Criteria: Ambry Variant Classification Scheme 2023. Collection method: clinical testing. Allele origin: germline.
Comment: The p.F1086I variant (also known as c.3256T>A), located in coding exon 27 of the EGFR gene, results from a T to A substitution at nucleotide position 3256. The phenylalanine at codon 1086 is replaced by isoleucine, an amino acid with highly similar properties. This amino acid position is highly conserved in available vertebrate species. In addition, the in silico prediction for this alteration is inconclusive. Based on the available evidence, the clinical significance of this variant remains unclear.

Labcorp Genetics (formerly Invitae), Labcorp
Classification: Uncertain significance for EGFR-related lung cancer. Last evaluated: 2023-05-12. Review status: criteria provided, single submitter. Criteria: Invitae Variant Classification Sherloc (09022015). Collection method: clinical testing. Allele origin: germline.
Comment: An algorithm developed to predict the effect of missense changes on protein structure and function (PolyPhen-2) suggests that this variant is likely to be disruptive. In summary, the available evidence is currently insufficient to determine the role of this variant in disease. Therefore, it has been classified as a Variant of Uncertain Significance. This variant has not been reported in the literature in individuals affected with EGFR-related conditions. This variant is not present in population databases (gnomAD no frequency). ClinVar contains an entry for this variant (Variation ID: 1965668). This sequence change replaces phenylalanine, which is neutral and non-polar, with isoleucine, which is neutral and non-polar, at codon 1086 of the EGFR protein (p.Phe1086Ile).

PreventionGenetics, part of Exact Sciences
Classification: Uncertain significance for EGFR-related condition. Last evaluated: 2024-02-28. Review status: no assertion criteria provided. Collection method: clinical testing. Allele origin: germline. Not counted in ClinVar's aggregate classification.
Comment: The EGFR c.3256T>A variant is predicted to result in the amino acid substitution p.Phe1086Ile. To our knowledge, this variant has not been reported in the literature or in a large population database, indicating this variant is rare. This variant is not present in ClinVar. At this time, the clinical significance of this variant is uncertain due to the absence of conclusive functional and genetic evidence.

NM_005228.5(EGFR):c.3256T>A (p.Phe1086Ile)

Gene: EGFR (epidermal growth factor receptor; plus strand). Cytogenetic location: 7p11.2.
Variant type: single nucleotide variant.
Coding change: c.3256T>A on transcript NM_005228.5 (MANE Select); coding-DNA position 3256, T replaced by A.
Protein change: p.Phe1086Ile; replaces phenylalanine 1086 with isoleucine.
Molecular consequence: missense variant.
Genome position (GRCh38, 1-based): chr7:55,202,610, T>A. VCF-style: chr7-55202610-T-A. GRCh37 (hg19) VCF-style: chr7-55270303-T-A.
Other names: c.3121T>A, p.Phe1041Ile (NM_001346897.2, NM_001346899.2); c.3256T>A, p.Phe1086Ile (NM_001346898.2); c.3097T>A, p.Phe1033Ile (NM_001346900.2); c.2455T>A, p.Phe819Ile (NM_001346941.2); c.3256T>A (NM_005228.4); short protein forms F1033I, F1086I, F819I, F1041I.
Identifiers: ClinVar variation 1965668 (VCV001965668.8), dbSNP rs1032201502, ClinGen allele CA158938610.